The following is an entry in ClinVar:

ClinVar aggregate classification (germline): Uncertain significance (1 of 4 stars; one submission).

Conditions:
Mitochondrial short-chain Enoyl-Coa hydratase 1 deficiency. Also called: PxMD-ECHS1; Mitochondrial Short-Chain Enoyl-CoA Hydratase Deficiency; ECHS1 deficiency. Identifiers: Orphanet 255241, Orphanet 653880, MedGen C4225391, MONDO:0014563, OMIM 616277.

gnomAD v4.1: 2 of 1,613,710 alleles (0.00012%); highest among the groups gnomAD compares: South Asian, 0.0022%; no homozygotes.

Submission:

Pediatric Neurology Unit, Advanced Pediatric Centre, Postgraduate Institute of Medical Education and Research (PGIMER)
Classification: Uncertain significance for Mitochondrial short-chain Enoyl-Coa hydratase 1 deficiency. Review status: criteria provided, single submitter. Criteria: ACMG Guidelines, 2015. Collection method: clinical testing. Allele origin: germline. Inheritance: Autosomal recessive inheritance. Affected: yes.
Comment: A heterozygous missense variant c.450 T>G in exon 4 of the ECHS1 gene that result in amino acid substitution of p.Asp150Glu was identified. This variant had minor allele frequency of 0.00001 in gnomAD exomes and novel in genomes, respectively (PM2). The severity of the impact of this mutation on protein is high and disease causing as predicted by computational analysis with REVEL and Mutation taster (PP3). In absence of literature support, following ACMG criteria (PM2, PP3), this variant is classified as variant of uncertain significance.

NM_004092.4(ECHS1):c.450T>G (p.Asp150Glu)

Gene: ECHS1 (enoyl-CoA hydratase, short chain 1; minus strand). Cytogenetic location: 10q26.3.
Variant type: single nucleotide variant.
Coding change: c.450T>G on transcript NM_004092.4 (MANE Select); coding-DNA position 450, T replaced by G.
Protein change: p.Asp150Glu; replaces aspartic acid 150 with glutamic acid.
Molecular consequence: missense variant.
Genome position (GRCh38, 1-based): chr10:133,368,987, A>C on the plus strand (T>G on the coding strand, the complement: ECHS1 is on the minus strand). VCF-style: chr10-133368987-A-C. GRCh37 (hg19) VCF-style: chr10-135182491-A-C.
Other names: c.450T>G; short protein forms D150E.
Identifiers: ClinVar variation 4813213 (VCV004813213.1).